The following is an entry in ClinVar:

NM_000111.3(SLC26A3):c.1384T>C (p.Trp462Arg)

Gene: SLC26A3 (solute carrier family 26 member 3; minus strand). Cytogenetic location: 7q22.3.
Variant type: single nucleotide variant.
Coding change: c.1384T>C on transcript NM_000111.3 (MANE Select); coding-DNA position 1384, T replaced by C.
Protein change: p.Trp462Arg; replaces tryptophan 462 with arginine.
Molecular consequence: missense variant.
Genome position (GRCh38, 1-based): chr7:107,779,691, A>G on the plus strand (T>C on the coding strand, the complement: SLC26A3 is on the minus strand). VCF-style: chr7-107779691-A-G. GRCh37 (hg19) VCF-style: chr7-107420136-A-G.
Other names: short protein forms W462R.
Identifiers: ClinVar variation 1063523 (VCV001063523.6), dbSNP rs747881187, ClinGen allele CA4433849.

ClinVar aggregate classification (germline): Uncertain significance (1 of 4 stars; one submission).

Allele frequency attached by ClinVar (database versions not stated): ExAC 0.00001; gnomAD exomes 0.00001.
gnomAD v4.1: 3 of 1,613,934 alleles (0.00019%); highest among the groups gnomAD compares: Non-Finnish European, 0.00017%; no homozygotes.

Submission:

Labcorp Genetics (formerly Invitae), Labcorp
Classification: Uncertain significance. Last evaluated: 2022-07-25. Review status: criteria provided, single submitter. Criteria: Invitae Variant Classification Sherloc (09022015). Collection method: clinical testing. Allele origin: germline.
Comment: This sequence change replaces tryptophan, which is neutral and slightly polar, with arginine, which is basic and polar, at codon 462 of the SLC26A3 protein (p.Trp462Arg). This variant is present in population databases (rs747881187, gnomAD 0.004%). This variant has not been reported in the literature in individuals affected with SLC26A3-related conditions. ClinVar contains an entry for this variant (Variation ID: 1063523). Advanced modeling of protein sequence and biophysical properties (such as structural, functional, and spatial information, amino acid conservation, physicochemical variation, residue mobility, and thermodynamic stability) performed at Invitae indicates that this missense variant is expected to disrupt SLC26A3 protein function. In summary, the available evidence is currently insufficient to determine the role of this variant in disease. Therefore, it has been classified as a Variant of Uncertain Significance.